The following is an entry in ClinVar:

ClinVar aggregate classification (germline): Benign (0 of 4 stars; one submission).

Conditions:
PRKAG3-related disorder. Also called: PRKAG3-related condition.

Allele frequency attached by ClinVar (database versions not stated): gnomAD exomes 0.00077; ExAC 0.00282; gnomAD 0.00860; ESP Exome Variant Server 0.00892; TOPMed 0.00923; 1000 Genomes Project 0.01158; 1000 Genomes Project 30x 0.01296.
gnomAD v4.1: 2,453 of 1,614,104 alleles (0.15%); highest among the groups gnomAD compares: African/African-American, 3%; 30 homozygotes.

Submission:

PreventionGenetics, part of Exact Sciences
Classification: Benign for PRKAG3-related condition. Last evaluated: 2019-11-11. Review status: no assertion criteria provided. Collection method: clinical testing. Allele origin: germline.
Comment: This variant is classified as benign based on ACMG/AMP sequence variant interpretation guidelines (Richards et al. 2015 PMID: 25741868, with internal and published modifications).

NM_017431.4(PRKAG3):c.1332C>T (p.Ile444=)

Gene: PRKAG3 (protein kinase AMP-activated non-catalytic subunit gamma 3; minus strand). Cytogenetic location: 2q35.
Variant type: single nucleotide variant.
Coding change: c.1332C>T on transcript NM_017431.4 (MANE Select); coding-DNA position 1332, C replaced by T.
Protein change: p.Ile444=; no amino-acid change (isoleucine 444 retained).
Molecular consequence: synonymous variant.
Genome position (GRCh38, 1-based): chr2:218,824,243, G>A on the plus strand (C>T on the coding strand, the complement: PRKAG3 is on the minus strand). VCF-style: chr2-218824243-G-A. GRCh37 (hg19) VCF-style: chr2-219688966-G-A.
Identifiers: ClinVar variation 3041308 (VCV003041308.2), dbSNP rs73082940, ClinGen allele CA2113025.